The following is an entry in ClinVar:

ClinVar aggregate classification (germline): Uncertain significance. Review status: criteria provided, multiple submitters, no conflicts (2 of 4 stars). 3 submissions from 3 submitters: Uncertain significance (3). Last evaluated 2024-11-20.

Conditions:
Inborn genetic diseases. Identifiers: MedGen C0950123, MeSH D030342.
COG1 congenital disorder of glycosylation (CDG2G). Also called: CDG IIg; CDGII/COG1 CEREBROCOSTOMANDIBULAR-LIKE SYNDROME; CONGENITAL DISORDER OF GLYCOSYLATION, TYPE IIg. Identifiers: Orphanet 263508, MedGen C2931011, MONDO:0012637, OMIM 611209.

Submissions (3):

3billion
Classification: Uncertain significance for COG1 congenital disorder of glycosylation. Last evaluated: 2024-11-20. Review status: criteria provided, single submitter. Criteria: ACMG Guidelines, 2015. Collection method: clinical testing. Allele origin: germline. Affected: yes.
Comment: The variant is observed at an extremely low frequency in the gnomAD v4.1.0 dataset (total allele frequency: <0.001%). Predicted Consequence/Location: Inframe deletion located in a nonrepeat region: predicted to change the length of the protein and disrupt normal protein function. The variant has been reported as of uncertain significance (ClinVar ID: VCV001957672). Therefore, this variant is classified as VUS according to the recommendation of ACMG/AMP guideline.

Labcorp Genetics (formerly Invitae), Labcorp
Classification: Uncertain significance for COG1 congenital disorder of glycosylation. Last evaluated: 2022-03-19. Review status: criteria provided, single submitter. Criteria: Invitae Variant Classification Sherloc (09022015). Collection method: clinical testing. Allele origin: germline.
Comment: In summary, the available evidence is currently insufficient to determine the role of this variant in disease. Therefore, it has been classified as a Variant of Uncertain Significance. Experimental studies and prediction algorithms are not available or were not evaluated, and the functional significance of this variant is currently unknown. This variant has not been reported in the literature in individuals affected with COG1-related conditions. This variant is present in population databases (rs749016283, gnomAD 0.02%). This variant, c.334_336del, results in the deletion of 1 amino acid(s) of the COG1 protein (p.Glu112del), but otherwise preserves the integrity of the reading frame.

Ambry Genetics
Classification: Uncertain significance for Inborn genetic diseases. Last evaluated: 2021-04-29. Review status: criteria provided, single submitter. Criteria: Ambry Variant Classification Scheme 2023. Collection method: clinical testing. Allele origin: germline.
Comment: The c.334_336delGAG (p.E112del) alteration is located in exon 2 (coding exon 2) of the COG1 gene. This alteration consists of an in-frame deletion of 3 nucleotides between nucleotide positions c.334 and c.336, resulting in the deletion of <NA> residues. Based on insufficient or conflicting evidence, the clinical significance of this alteration remains unclear.

NM_018714.3(COG1):c.334_336del (p.Glu112del)

Gene: COG1 (component of oligomeric golgi complex 1; plus strand). Cytogenetic location: 17q25.1.
Variant type: Deletion.
Coding change: c.334_336del on transcript NM_018714.3 (MANE Select); coding-DNA positions 334 to 336, 3 bases deleted (GAG; older notation c.334_336delGAG).
Protein change: p.Glu112del; deletes glutamic acid 112.
Molecular consequence: inframe deletion.
Genome position (GRCh38, 1-based): chr17:73,196,525-73,196,527, GAG deleted; deleting any 3 consecutive bases within chr17:73,196,523-73,196,527 gives the same sequence; the c. name uses the placement nearest the transcript's 3' end. VCF-style (leftmost placement, unchanged base first): chr17-73196522-CAGG-C. GRCh37 (hg19) VCF-style: chr17-71192661-CAGG-C.
Other names: short protein forms E112del.
Identifiers: ClinVar variation 1957672 (VCV001957672.5), dbSNP rs749016283, ClinGen allele CA8739940.